The following is an entry in ClinVar:

NM_001374385.1(ATP8B1):c.2098-7A>C

Genes: ATP8B1 (ATPase phospholipid transporting 8B1; minus strand), ATP8B1-AS1 (ATP8B1 antisense RNA 1; plus strand). Cytogenetic location: 18q21.31.
Variant type: single nucleotide variant.
Coding change: c.2098-7A>C on transcript NM_001374385.1 (MANE Select); 7 bases into the intron before coding-DNA position 2098, A replaced by C.
Molecular consequence: intron variant. On other transcripts: non-coding transcript variant (1).
Genome position (GRCh38, 1-based): chr18:57,668,547, T>G on the plus strand (A>C on the coding strand, the complement: ATP8B1 is on the minus strand). VCF-style: chr18-57668547-T-G. GRCh37 (hg19) VCF-style: chr18-55335779-T-G.
Other names: c.2098-7A>C (NM_005603.6); c.1948-7A>C (NM_001374386.1).
Identifiers: ClinVar variation 3029942 (VCV003029942.2), dbSNP rs772734259, ClinGen allele CA2740091811.
Genomic context (GRCh38, chr18:57,668,547, plus strand): 5'-GGTTTCTGGAACTCCATCCTGTAGCTTGTCTTCAATAGCTGTAGCTCCCAGGAGCTAGAA[T>G]GTATATTAAAAAAAAAAAAAAAAGGAATTAGCAAACAAACCAAAAGTTTTCTGTAATTAC-3'

ClinVar aggregate classification (germline): Likely benign (0 of 4 stars; one submission).

Conditions:
ATP8B1-related disorder. Also called: ATP8B1-related condition; ATP8B1-related disorders.

Submission:

PreventionGenetics, part of Exact Sciences
Classification: Likely benign for ATP8B1-related condition. Last evaluated: 2023-11-22. Review status: no assertion criteria provided. Collection method: clinical testing. Allele origin: germline.
Comment: This variant is classified as likely benign based on ACMG/AMP sequence variant interpretation guidelines (Richards et al. 2015 PMID: 25741868, with internal and published modifications).